The following is an entry in ClinVar:

GRCh38/hg38 6q24.3-25.1(chr6:146481119-151427629)x1

Genes: ADGB (androglobin; plus strand), ADGB-DT (ADGB divergent transcript; minus strand), AKAP12 (A-kinase anchoring protein 12; plus strand), GINM1 (glycosylated integral membrane protein 1; plus strand), IYD (iodotyrosine deiodinase; plus strand) and 170 more. Cytogenetic location: 6q24.3-25.1.
Variant type: copy number loss.
Change: copy number 1 (one copy instead of two) of chr6:146,481,119-151,427,629 (4.95 Mb, GRCh38 coordinates, 1-based), cytogenetic band 6q24.3-25.1.
Identifiers: ClinVar variation 57320 (VCV000057320.1).

ClinVar aggregate classification (germline): Pathogenic (1 of 4 stars; one submission).

Submission:

ISCA site 4
Classification: Pathogenic. Last evaluated: 2011-08-12. Review status: criteria provided, single submitter. Criteria: Kaminsky et al. (Genet Med. 2011). Collection method: clinical testing. Allele origin: unknown. Affected: yes. Observed: 1 variant allele.
Comment: Copy number variation identified through the course of routine clinical cytogenomic testing in postnatal populations. Clinical assertions have been curated as described in Kaminsky et al. 2011.